The following is an entry in ClinVar:

ClinVar aggregate classification (germline): Uncertain significance. Review status: criteria provided, multiple submitters, no conflicts (2 of 4 stars). 2 submissions from 2 submitters: Uncertain significance (2). Last evaluated 2025-06-12.

Conditions:
Asphyxiating thoracic dystrophy 5 (SRTD5). Also called: SHORT-RIB THORACIC DYSPLASIA 5 WITH OR WITHOUT POLYDACTYLY; SHORT-RIB THORACIC DYSPLASIA 5 WITHOUT POLYDACTYLY. Identifiers: Orphanet 474, MedGen C3280598, MONDO:0013717, OMIM 614376.
Senior-Loken syndrome 8 (SLSN8). Identifiers: Orphanet 3156, MedGen C4225376, MONDO:0014579, OMIM 616307.

Allele frequency attached by ClinVar (database versions not stated): gnomAD exomes below 0.00001; gnomAD 0.00001; TOPMed 0.00002; 1000 Genomes Project 30x 0.00016; 1000 Genomes Project 0.00020.
gnomAD v4.1: 5 of 1,572,184 alleles (0.00032%); highest among the groups gnomAD compares: Admixed American, 0.0037%; no homozygotes.

Submissions (2):

Labcorp Genetics (formerly Invitae), Labcorp
Classification: Uncertain significance for Senior-Loken syndrome 8; Asphyxiating thoracic dystrophy 5. Last evaluated: 2025-06-12. Review status: criteria provided, single submitter. Criteria: Invitae Variant Classification Sherloc (09022015). Collection method: clinical testing. Allele origin: germline.
Comment: This sequence change replaces serine, which is neutral and polar, with threonine, which is neutral and polar, at codon 778 of the WDR19 protein (p.Ser778Thr). This variant is not present in population databases (gnomAD no frequency). This variant has not been reported in the literature in individuals affected with WDR19-related conditions. ClinVar contains an entry for this variant (Variation ID: 1045840). Invitae Evidence Modeling of protein sequence and biophysical properties (such as structural, functional, and spatial information, amino acid conservation, physicochemical variation, residue mobility, and thermodynamic stability) has been performed for this missense variant. However, the output from this modeling did not meet the statistical confidence thresholds required to predict the impact of this variant on WDR19 protein function. In summary, the available evidence is currently insufficient to determine the role of this variant in disease. Therefore, it has been classified as a Variant of Uncertain Significance.

Blueprint Genetics
Classification: Uncertain significance. Last evaluated: 2023-09-08. Review status: criteria provided, single submitter. Criteria: ACMG Guidelines, 2015. Collection method: clinical testing. Allele origin: germline.

NM_025132.4(WDR19):c.2332T>A (p.Ser778Thr)

Gene: WDR19 (WD repeat domain 19; plus strand). Cytogenetic location: 4p14.
Variant type: single nucleotide variant.
Coding change: c.2332T>A on transcript NM_025132.4 (MANE Select); coding-DNA position 2332, T replaced by A.
Protein change: p.Ser778Thr; replaces serine 778 with threonine.
Molecular consequence: missense variant.
Genome position (GRCh38, 1-based): chr4:39,234,844, T>A. VCF-style: chr4-39234844-T-A. GRCh37 (hg19) VCF-style: chr4-39236464-T-A.
Other names: c.1852T>A, p.Ser618Thr (NM_001317924.2); short protein forms S618T, S778T.
Identifiers: ClinVar variation 1045840 (VCV001045840.11), dbSNP rs545547031, ClinGen allele CA95677697.
Genomic context (GRCh38, chr4:39,234,844, plus strand): 5'-CATTGGGACAGTGCTCTACAACTGGCAAAGCATTTGGCCCCAGACCAGATACCTTTTATA[T>A]CAAAAGAATATGCTATTCAGCTTGAATTCGCGTAAGTCTTTGTTTTTATACATTTCAGTC-3'
Protein context (NP_079408.3, residues 768-788): HLAPDQIPFI[Ser778Thr]KEYAIQLEFA